The following is an entry in ClinVar:

ClinVar aggregate classification (germline): Likely benign. Review status: criteria provided, multiple submitters, no conflicts (2 of 4 stars). 2 submissions from 2 submitters: Likely benign (2). Last evaluated 2025-12-03.

Conditions:
ABCC6-related disorder. Also called: ABCC6-related condition.

Allele frequency attached by ClinVar (database versions not stated): gnomAD exomes below 0.00001 and 0.00002; TOPMed below 0.00001; gnomAD 0.00001.
gnomAD v4.1: 26 of 1,610,732 alleles (0.0016%); highest among the groups gnomAD compares: Non-Finnish European, 0.0022%; no homozygotes.

Submissions (2):

Labcorp Genetics (formerly Invitae), Labcorp
Classification: Likely benign. Last evaluated: 2025-12-03. Review status: criteria provided, single submitter. Criteria: Invitae Variant Classification Sherloc (09022015). Collection method: clinical testing. Allele origin: germline.

PreventionGenetics, part of Exact Sciences
Classification: Likely benign for ABCC6-related condition. Last evaluated: 2025-01-05. Review status: criteria provided, single submitter. Criteria: ACMG Guidelines, 2015. Collection method: clinical testing. Allele origin: germline.
Comment: This variant is classified as likely benign based on ACMG/AMP sequence variant interpretation guidelines (Richards et al. 2015 PMID: 25741868, with internal and published modifications).

NM_001171.6(ABCC6):c.2976G>C (p.Gly992=)

Gene: ABCC6 (ATP binding cassette subfamily C member 6; minus strand). Cytogenetic location: 16p13.11.
Variant type: single nucleotide variant.
Coding change: c.2976G>C on transcript NM_001171.6 (MANE Select); coding-DNA position 2976, G replaced by C.
Protein change: p.Gly992=; no amino-acid change (glycine 992 retained).
Molecular consequence: synonymous variant. On other transcripts: non-coding transcript variant (1).
Genome position (GRCh38, 1-based): chr16:16,169,665, C>G on the plus strand (G>C on the coding strand, the complement: ABCC6 is on the minus strand). VCF-style: chr16-16169665-C-G. GRCh37 (hg19) VCF-style: chr16-16263522-C-G.
Other names: c.2634G>C, p.Gly878= (NM_001351800.1); c.2976G>C (NM_001171.5).
Identifiers: ClinVar variation 1656201 (VCV001656201.9), dbSNP rs1240073394, ClinGen allele CA493799334.
Genomic context (GRCh38, chr16:16,169,665, plus strand): 5'-CAGCTGGGAGGAGAGGGATGAGGAGGGCAGGTGAGGCGTACCTTGGAGACAGCCGAGGAG[C>G]CCGAAGATCCCGCCACGCAGGGCTGCCTGCGTCTGCTGCCCACCTACTGCAGGGTCGTCC-3'
Protein context (NP_001162.5, residues 982-1002): TQAALRGGIF[Gly992=]LLGCLQAIGL